The following is an entry in ClinVar:

ClinVar aggregate classification (germline): Uncertain significance (1 of 4 stars; one submission).

Submission:

Labcorp Genetics (formerly Invitae), Labcorp
Classification: Uncertain significance. Last evaluated: 2022-06-27. Review status: criteria provided, single submitter. Criteria: Invitae Variant Classification Sherloc (09022015). Collection method: clinical testing. Allele origin: germline.
Comment: In summary, the available evidence is currently insufficient to determine the role of this variant in disease. Therefore, it has been classified as a Variant of Uncertain Significance. Experimental studies and prediction algorithms are not available or were not evaluated, and the functional significance of this variant is currently unknown. This variant has not been reported in the literature in individuals affected with CTNNA1-related conditions. This variant is not present in population databases (gnomAD no frequency). This variant occurs in a non-coding region of the CTNNA1 gene. It does not change the encoded amino acid sequence of the CTNNA1 protein.

NM_001903.5(CTNNA1):c.2716_*6dup (p.Ile906_Ter(907_?)(?))

Gene: CTNNA1 (catenin alpha 1; plus strand). Cytogenetic location: 5q31.2.
Variant type: Duplication.
Molecular consequence: no sequence alteration (on NM_001903.5). On other transcripts: 3 prime UTR variant (5).
Genome position: GRCh38 VCF-style: chr5-138934081-A-AGCATCTAAGTCT. GRCh37 (hg19) VCF-style: chr5-138269770-A-AGCATCTAAGTCT.
Other names: c.*261_*272dup (NM_001290307.3, NM_001324002.1, NM_001324003.1 and 2 more transcripts); c.2407_*6dup, p.Ile803_Ter(804_?)(?) (NM_001290309.3); c.2347_*6dup, p.Ile783_Ter(784_?)(?) (NM_001290310.3); c.1606_*6dup, p.Ile536_Ter(537_?)(?) (NM_001290312.1, NM_001323987.1, NM_001323988.1 and 12 more transcripts); c.2716_*6dup, p.Ile906_Ter(907_?)(?) (NM_001323982.2, NM_001323983.1, NM_001323984.2 and 1 more transcripts); c.2689_*6dup, p.Ile897_Ter(898_?)(?) (NM_001323985.2); c.2623_*6dup, p.Ile875_Ter(876_?)(?) (NM_001323986.2); c.1471_*6dup, p.Ile491_Ter(492_?)(?) (NM_001324001.1); and 3 more.
Identifiers: ClinVar variation 1965563 (VCV001965563.5), dbSNP rs2533959138, ClinGen allele CA2580072909.
Genomic context (GRCh38, chr5:138,934,081, plus strand): 5'-GCATCTCAGAAGAAGCACGTGAACCCGGTGCAGGCCCTCAGCGAGTTCAAAGCTATGGAC[A>AGCATCTAAGTCT]GCATCTAAGTCTGCCCAGGCCGGCCGCCCCCACCCCTCGGGGCTCCTGAATATCAGTCAC-3'